The following is an entry in ClinVar:

ClinVar aggregate classification (germline): Uncertain significance (1 of 4 stars; one submission).

Submission:

Labcorp Genetics (formerly Invitae), Labcorp
Classification: Uncertain significance. Last evaluated: 2021-09-09. Review status: criteria provided, single submitter. Criteria: Invitae Variant Classification Sherloc (09022015). Collection method: clinical testing. Allele origin: germline.
Comment: In summary, the available evidence is currently insufficient to determine the role of this variant in disease. Therefore, it has been classified as a Variant of Uncertain Significance. Algorithms developed to predict the effect of sequence changes on RNA splicing suggest that this variant may create or strengthen a splice site. This variant has not been reported in the literature in individuals affected with DARS2-related conditions. This variant is not present in population databases (ExAC no frequency). This sequence change affects codon 448 of the DARS2 mRNA. It is a 'silent' change, meaning that it does not change the encoded amino acid sequence of the DARS2 protein. It affects a nucleotide within the consensus splice site of the intron.

NM_018122.5(DARS2):c.1344A>G (p.Ala448=)

Gene: DARS2 (aspartyl-tRNA synthetase 2, mitochondrial; plus strand). Cytogenetic location: 1q25.1.
Variant type: single nucleotide variant.
Coding change: c.1344A>G on transcript NM_018122.5 (MANE Select); coding-DNA position 1344, A replaced by G.
Protein change: p.Ala448=; no amino-acid change (alanine 448 retained).
Molecular consequence: synonymous variant. On other transcripts: intron variant (1).
Genome position (GRCh38, 1-based): chr1:173,850,479, A>G. VCF-style: chr1-173850479-A-G. GRCh37 (hg19) VCF-style: chr1-173819617-A-G.
Other names: c.1344A>G, p.Ala448= (NM_001365213.2); c.1192-2870A>G (NM_001365212.1).
Identifiers: ClinVar variation 1380356 (VCV001380356.6), dbSNP rs2102659364, ClinGen allele CA421811357.
Genomic context (GRCh38, chr1:173,850,479, plus strand): 5'-ACTAATGGAGACCCAAGAGGAAGATGTGGTCCTACTAACTGCTGGAGAGCACAATAAAGC[A>G]GTAAGAAAAATTACTTCCAAGCATCAGTGCTGTTGATGCTGAACAATGCCTTACTCTCCT-3'
Protein context (NP_060592.2, residues 438-458): VLLTAGEHNK[Ala448=]CSLLGKLRLE